The following is an entry in ClinVar:

ClinVar aggregate classification (germline): Benign/Likely benign. Review status: criteria provided, multiple submitters, no conflicts (2 of 4 stars). 3 submissions from 3 submitters: Benign (1); Likely benign (2). Last evaluated 2018-06-28.

Conditions:
Sialuria. Also called: SIALURIA, FRENCH TYPE; Sialic Acid Storage Disease. Identifiers: Orphanet 3166, MedGen C0342853, MONDO:0010028, OMIM 269921.

Allele frequency attached by ClinVar (database versions not stated): gnomAD exomes 0.00167; 1000 Genomes Project 0.01178; 1000 Genomes Project 30x 0.01202; gnomAD 0.01240 and 0.01338; TOPMed 0.01421.
gnomAD v4.1: 3,334 of 972,302 alleles (0.34%); highest among the groups gnomAD compares: African/African-American, 4.1%; 63 homozygotes.

Submissions (3):

GeneDx
Classification: Likely benign. Last evaluated: 2018-06-28. Review status: criteria provided, single submitter. Criteria: GeneDx Variant Classification Process June 2021. Collection method: clinical testing. Allele origin: germline. Affected: yes.

Illumina Laboratory Services, Illumina
Classification: Benign for Sialuria. Last evaluated: 2018-01-12. Review status: criteria provided, single submitter. Criteria: ICSL Variant Classification Criteria 13 December 2019. Collection method: clinical testing. Allele origin: germline.
Comment: This variant was observed in the ICSL laboratory as part of a predisposition screen in an ostensibly healthy population. It had not been previously curated by ICSL or reported in the Human Gene Mutation Database (HGMD: prior to June 1st, 2018), and was therefore a candidate for classification through an automated scoring system. Utilizing variant allele frequency, disease prevalence and penetrance estimates, and inheritance mode, an automated score was calculated to assess if this variant is too frequent to cause the disease. Based on the score and internal cut-off values, a variant classified as benign is not then subjected to further curation. The score for this variant resulted in a classification of benign for this disease.

Breakthrough Genomics
Classification: Likely benign. Review status: criteria provided, single submitter. Criteria: ACMG Guidelines, 2015. Collection method: not provided. Allele origin: germline. Inheritance: Autosomal recessive inheritance. Affected: yes.

NM_005476.7(GNE):c.*74G>A

Gene: GNE (glucosamine (UDP-N-acetyl)-2-epimerase/N-acetylmannosamine kinase; minus strand). Cytogenetic location: 9p13.3.
Variant type: single nucleotide variant.
Coding change: c.*74G>A on transcript NM_005476.7 (MANE Select); 74 bases downstream of the stop codon, G replaced by A.
Molecular consequence: 3 prime UTR variant.
Genome position (GRCh38, 1-based): chr9:36,217,291, C>T on the plus strand (G>A on the coding strand, the complement: GNE is on the minus strand). VCF-style: chr9-36217291-C-T. GRCh37 (hg19) VCF-style: chr9-36217288-C-T.
Other names: c.*74G>A (NM_001128227.3, NM_001190383.3, NM_001190384.3 and 3 more transcripts).
Identifiers: ClinVar variation 366841 (VCV000366841.9), dbSNP rs16933089, ClinGen allele CA10633674.